The following is an entry in ClinVar:

ClinVar aggregate classification (germline): Uncertain significance (1 of 4 stars; one submission).

Conditions:
Arrhythmogenic right ventricular dysplasia 12. Also called: ARRHYTHMOGENIC RIGHT VENTRICULAR DYSPLASIA, FAMILIAL, 12. Identifiers: MedGen C1969081, MONDO:0012684, OMIM 611528.
Naxos disease (NXD). Also called: PALMOPLANTAR KERATODERMA WITH ARRHYTHMOGENIC RIGHT VENTRICULAR CARDIOMYOPATHY AND WOOLLY HAIR; WOOLLY HAIR, PALMOPLANTAR KERATODERMA, AND CARDIAC ABNORMALITIES; CARDIOMYOPATHY, ARRHYTHMOGENIC RIGHT VENTRICULAR, WITH SKIN, HAIR, AND NAIL ABNORMALITIES; KERATOSIS PALMOPLANTARIS WITH ARRHYTHMOGENIC CARDIOMYOPATHY; MAL DE NAXOS. Identifiers: Orphanet 34217, MedGen C1832600, MONDO:0011017, OMIM 601214.

gnomAD v4.1: 2 of 1,613,740 alleles (0.00012%); highest among the groups gnomAD compares: East Asian, 0.0022%; no homozygotes.

Submission:

Labcorp Genetics (formerly Invitae), Labcorp
Classification: Uncertain significance for Arrhythmogenic right ventricular dysplasia 12; Naxos disease. Last evaluated: 2024-10-10. Review status: criteria provided, single submitter. Criteria: Invitae Variant Classification Sherloc (09022015). Collection method: clinical testing. Allele origin: germline.
Comment: This sequence change replaces glycine, which is neutral and non-polar, with aspartic acid, which is acidic and polar, at codon 358 of the JUP protein (p.Gly358Asp). The frequency data for this variant in the population databases is considered unreliable, as metrics indicate poor data quality at this position in the gnomAD database. This variant has not been reported in the literature in individuals affected with JUP-related conditions. An algorithm developed to predict the effect of missense changes on protein structure and function (PolyPhen-2) suggests that this variant is likely to be disruptive. In summary, the available evidence is currently insufficient to determine the role of this variant in disease. Therefore, it has been classified as a Variant of Uncertain Significance.

NM_002230.4(JUP):c.1073G>A (p.Gly358Asp)

Gene: JUP (junction plakoglobin; minus strand). Cytogenetic location: 17q21.2.
Variant type: single nucleotide variant.
Coding change: c.1073G>A on transcript NM_002230.4 (MANE Select); coding-DNA position 1073, G replaced by A.
Protein change: p.Gly358Asp; replaces glycine 358 with aspartic acid.
Molecular consequence: missense variant.
Genome position (GRCh38, 1-based): chr17:41,764,798, C>T on the plus strand (G>A on the coding strand, the complement: JUP is on the minus strand). VCF-style: chr17-41764798-C-T. GRCh37 (hg19) VCF-style: chr17-39921050-C-T.
Other names: c.1073G>A, p.Gly358Asp (NM_001352773.2, NM_001352774.2, NM_001352775.2 and 3 more transcripts); short protein forms G358D.
Identifiers: ClinVar variation 4794411 (VCV004794411.1).